The following is an entry in ClinVar:

NM_000834.5(GRIN2B):c.2848AAC[1] (p.Asn951del)

Gene: GRIN2B (glutamate ionotropic receptor NMDA type subunit 2B; minus strand). Cytogenetic location: 12p13.1.
Variant type: Microsatellite.
Coding change: c.2848AAC[1] on transcript NM_000834.5 (MANE Select); one copy of the 3-base unit AAC starting at c.2848; the reference has two copies in a row; one copy, 3 bases deleted.
Protein change: p.Asn951del; deletes asparagine 951.
Molecular consequence: inframe deletion.
Genome position (GRCh38, 1-based): chr12:13,564,385-13,564,387, GTT deleted on the plus strand (AAC on the coding strand, the reverse complement: GRIN2B is on the minus strand); deleting any 3 consecutive bases within chr12:13,564,385-13,564,392 gives the same sequence; the position shown is the placement nearest the transcript's 3' end. VCF-style (leftmost placement, unchanged base first): chr12-13564384-GGTT-G. GRCh37 (hg19) VCF-style: chr12-13717318-GGTT-G.
Other names: short protein forms N951del.
Identifiers: ClinVar variation 1478465 (VCV001478465.5), dbSNP rs2136406017, ClinGen allele CA2580615139.
Genomic context (GRCh38, chr12:13,564,384, plus strand): 5'-TCCCGAACGTTCTCTCTACCTCACTGATGTAGTCACTGAAGAGGTTCTCCTCACAGGGCG[GGTT>G]GTTGTAGGATTTGCAGTCAGAATGCGTGAAGCTGCGGCGGTGCTCTGAGATGTCATAGAC-3'

ClinVar aggregate classification (germline): Uncertain significance (1 of 4 stars; one submission).

Conditions:
Intellectual developmental disorder, autosomal dominant 6, with or without seizures. Also called: Intellectual disability, autosomal dominant 6; GRIN2B-related developmental delay, intellectual disability and autism spectrum disorder. Identifiers: Orphanet 589547, MedGen C3151411, MONDO:0013509, OMIM 613970.
Developmental and epileptic encephalopathy, 27 (DEE27). Also called: Epileptic encephalopathy, early infantile, 27; GRIN2B-Related Neurodevelopmental Disorder. Identifiers: Orphanet 3451, MedGen C4015316, MONDO:0014505, OMIM 616139.

Submission:

Labcorp Genetics (formerly Invitae), Labcorp
Classification: Uncertain significance for Developmental and epileptic encephalopathy, 27; Intellectual developmental disorder, autosomal dominant 6, with or without seizures. Last evaluated: 2024-02-20. Review status: criteria provided, single submitter. Criteria: Invitae Variant Classification Sherloc (09022015). Collection method: clinical testing. Allele origin: germline.
Comment: This variant, c.2851_2853del, results in the deletion of 1 amino acid(s) of the GRIN2B protein (p.Asn951del), but otherwise preserves the integrity of the reading frame. This variant is not present in population databases (gnomAD no frequency). This variant has not been reported in the literature in individuals affected with GRIN2B-related conditions. Experimental studies and prediction algorithms are not available or were not evaluated, and the functional significance of this variant is currently unknown. In summary, the available evidence is currently insufficient to determine the role of this variant in disease. Therefore, it has been classified as a Variant of Uncertain Significance.